The following is an entry in ClinVar:

NM_002156.5(HSPD1):c.108C>T (p.Ala36=)

Gene: HSPD1 (heat shock protein family D (Hsp60) member 1; minus strand). Cytogenetic location: 2q33.1.
Variant type: single nucleotide variant.
Coding change: c.108C>T on transcript NM_002156.5 (MANE Select); coding-DNA position 108, C replaced by T.
Protein change: p.Ala36=; no amino-acid change (alanine 36 retained).
Molecular consequence: synonymous variant.
Genome position (GRCh38, 1-based): chr2:197,498,741, G>A on the plus strand (C>T on the coding strand, the complement: HSPD1 is on the minus strand). VCF-style: chr2-197498741-G-A. GRCh37 (hg19) VCF-style: chr2-198363465-G-A.
Other names: c.108C>T, p.Ala36= (NM_199440.2).
Identifiers: ClinVar variation 676586 (VCV000676586.5), dbSNP rs764224635, ClinGen allele CA2043685.

ClinVar aggregate classification (germline): Likely benign. Review status: criteria provided, multiple submitters, no conflicts (2 of 4 stars). 3 submissions from 3 submitters: Likely benign (3). Last evaluated 2024-10-28.

Conditions:
Spastic paraplegia. Identifiers: MedGen C0037772, HP:0001258.

Allele frequency attached by ClinVar (database versions not stated): gnomAD exomes 0.00002 and 0.00009; ExAC 0.00003; gnomAD 0.00003 and 0.00004; TOPMed 0.00003.
gnomAD v4.1: 142 of 1,614,022 alleles (0.0088%); highest among the groups gnomAD compares: Non-Finnish European, 0.011%; no homozygotes.

Submissions (3):

Blueprint Genetics
Classification: Likely benign. Last evaluated: 2024-10-28. Review status: criteria provided, single submitter. Criteria: ACMG Guidelines, 2015. Collection method: clinical testing. Allele origin: germline.

Labcorp Genetics (formerly Invitae), Labcorp
Classification: Likely benign for Spastic paraplegia. Last evaluated: 2023-10-08. Review status: criteria provided, single submitter. Criteria: Invitae Variant Classification Sherloc (09022015). Collection method: clinical testing. Allele origin: germline.

GeneDx
Classification: Likely benign. Last evaluated: 2018-06-18. Review status: criteria provided, single submitter. Criteria: GeneDx Variant Classification (06012015). Collection method: clinical testing. Allele origin: germline. Affected: yes.
Comment: This variant is considered likely benign or benign based on one or more of the following criteria: it is a conservative change, it occurs at a poorly conserved position in the protein, it is predicted to be benign by multiple in silico algorithms, and/or has population frequency not consistent with disease.